The following is an entry in ClinVar:

ClinVar aggregate classification (germline): Benign/Likely benign. Review status: criteria provided, multiple submitters, no conflicts (2 of 4 stars). 8 submissions from 7 submitters: Benign (3); Likely benign (5). Last evaluated 2026-01-26.

Conditions:
Inborn genetic diseases. Identifiers: MedGen C0950123, MeSH D030342.
Developmental and epileptic encephalopathy, 14 (DEE14). Also called: Early infantile epileptic encephalopathy 14. Identifiers: Orphanet 293181, MedGen C3554195, MONDO:0013989, OMIM 614959.
Autosomal dominant nocturnal frontal lobe epilepsy 5. Also called: CILIARY DYSKINESIA, PRIMARY, 28, WITHOUT SITUS INVERSUS; CILIARY DYSKINESIA, PRIMARY, 28, WITH SITUS INVERSUS; KCNT1-Related Epilepsy; Epilepsy, nocturnal frontal lobe, 5. Identifiers: Orphanet 98784, MedGen C3554306, MONDO:0014002, OMIM 615005.

Allele frequency attached by ClinVar (database versions not stated): gnomAD 0.00028 and 0.00026; TOPMed 0.00031; ESP Exome Variant Server 0.00015.
gnomAD v4.1: 855 of 1,613,734 alleles (0.053%); highest among the groups gnomAD compares: South Asian, 0.1%; 3 homozygotes.

Submissions (8):

Labcorp Genetics (formerly Invitae), Labcorp
Classification: Benign for Autosomal dominant nocturnal frontal lobe epilepsy 5; Developmental and epileptic encephalopathy, 14. Last evaluated: 2026-01-26. Review status: criteria provided, single submitter. Criteria: Invitae Variant Classification Sherloc (09022015). Collection method: clinical testing. Allele origin: germline.

Mayo Clinic Laboratories, Mayo Clinic
Classification: Likely benign. Last evaluated: 2025-07-31. Review status: criteria provided, single submitter. Criteria: ACMG Guidelines, 2015. Collection method: clinical testing. Allele origin: germline. Observed: 1 variant allele.
Comment: BS1, BP4, BP7

CeGaT Center for Human Genetics Tuebingen
Classification: Likely benign. Last evaluated: 2025-06-01. Review status: criteria provided, single submitter. Criteria: CeGaT Center For Human Genetics Tuebingen Variant Classification Criteria Version 2. Collection method: clinical testing. Allele origin: germline. Affected: yes. Observed: 3 variant alleles.
Comment: KCNT1: BP4, BP7

Blueprint Genetics
Classification: Likely benign. Last evaluated: 2024-11-19. Review status: criteria provided, single submitter. Criteria: ACMG Guidelines, 2015. Collection method: clinical testing. Allele origin: germline.

Genome-Nilou Lab
Classification: Benign for Developmental and epileptic encephalopathy, 14. Last evaluated: 2022-03-15. Review status: criteria provided, single submitter. Criteria: ACMG Guidelines, 2015. Collection method: clinical testing. Allele origin: germline. Affected: no.

Genome-Nilou Lab
Classification: Benign for Autosomal dominant nocturnal frontal lobe epilepsy 5. Last evaluated: 2022-03-15. Review status: criteria provided, single submitter. Criteria: ACMG Guidelines, 2015. Collection method: clinical testing. Allele origin: germline. Affected: no.

GeneDx
Classification: Likely benign. Last evaluated: 2020-09-11. Review status: criteria provided, single submitter. Criteria: GeneDx Variant Classification Process June 2021. Collection method: clinical testing. Allele origin: germline. Affected: yes.

Ambry Genetics
Classification: Likely benign for Inborn genetic diseases. Last evaluated: 2018-01-31. Review status: criteria provided, single submitter. Criteria: Ambry Variant Classification Scheme 2023. Collection method: clinical testing. Allele origin: germline.

NM_020822.3(KCNT1):c.3555G>T (p.Pro1185=)

Gene: KCNT1 (potassium sodium-activated channel subfamily T member 1; plus strand). Cytogenetic location: 9q34.3.
Variant type: single nucleotide variant.
Coding change: c.3555G>T on transcript NM_020822.3 (MANE Select); coding-DNA position 3555, G replaced by T.
Protein change: p.Pro1185=; no amino-acid change (proline 1185 retained).
Molecular consequence: synonymous variant.
Genome position (GRCh38, 1-based): chr9:135,791,849, G>T. VCF-style: chr9-135791849-G-T. GRCh37 (hg19) VCF-style: chr9-138683695-G-T.
Other names: p.Pro1185=; c.3483G>T, p.Pro1161= (NM_001272003.2).
Identifiers: ClinVar variation 389510 (VCV000389510.47), dbSNP rs144068763, ClinGen allele CA5327941.